The following is an entry in ClinVar:

NM_014314.4(RIGI):c.1022A>G (p.Asn341Ser)

Gene: RIGI (RNA sensor RIG-I; minus strand). Cytogenetic location: 9p21.1.
Variant type: single nucleotide variant.
Coding change: c.1022A>G on transcript NM_014314.4 (MANE Select); coding-DNA position 1022, A replaced by G.
Protein change: p.Asn341Ser; replaces asparagine 341 with serine.
Molecular consequence: missense variant.
Genome position (GRCh38, 1-based): chr9:32,488,135, T>C on the plus strand (A>G on the coding strand, the complement: RIGI is on the minus strand). VCF-style: chr9-32488135-T-C. GRCh37 (hg19) VCF-style: chr9-32488133-T-C.
Other names: c.1016A>G, p.Asn339Ser (NM_001385907.1); c.1022A>G, p.Asn341Ser (NM_001385909.1); c.581A>G, p.Asn194Ser (NM_001385910.1); c.413A>G, p.Asn138Ser (NM_001385912.1); c.1007A>G, p.Asn336Ser (NM_001385913.1); c.578A>G, p.Asn193Ser (NM_001385914.1); short protein forms N193S, N336S, N138S, N194S, N341S, N339S.
Identifiers: ClinVar variation 3003843 (VCV003003843.3), dbSNP rs2489331504, ClinGen allele CA373157995.

ClinVar aggregate classification (germline): Uncertain significance (1 of 4 stars; one submission).

Allele frequency attached by ClinVar (database versions not stated): gnomAD exomes below 0.00001.
gnomAD v4.1: 1 of 1,614,158 alleles (0.000062%); highest among the groups gnomAD compares: South Asian, 0.0011%; no homozygotes.

Submission:

Labcorp Genetics (formerly Invitae), Labcorp
Classification: Uncertain significance. Last evaluated: 2023-11-24. Review status: criteria provided, single submitter. Criteria: Invitae Variant Classification Sherloc (09022015). Collection method: clinical testing. Allele origin: germline.
Comment: This sequence change replaces asparagine, which is neutral and polar, with serine, which is neutral and polar, at codon 341 of the DDX58 protein (p.Asn341Ser). This variant is not present in population databases (gnomAD no frequency). This variant has not been reported in the literature in individuals affected with DDX58-related conditions. Advanced modeling of protein sequence and biophysical properties (such as structural, functional, and spatial information, amino acid conservation, physicochemical variation, residue mobility, and thermodynamic stability) performed at Invitae indicates that this missense variant is not expected to disrupt DDX58 protein function with a negative predictive value of 80%. In summary, the available evidence is currently insufficient to determine the role of this variant in disease. Therefore, it has been classified as a Variant of Uncertain Significance.